The following is an entry in ClinVar:

NM_003701.4(TNFSF11):c.202T>C (p.Phe68Leu)

Gene: TNFSF11 (TNF superfamily member 11; plus strand). Cytogenetic location: 13q14.11.
Variant type: single nucleotide variant.
Coding change: c.202T>C on transcript NM_003701.4 (MANE Select); coding-DNA position 202, T replaced by C.
Protein change: p.Phe68Leu; replaces phenylalanine 68 with leucine.
Molecular consequence: missense variant. On other transcripts: intron variant (1).
Genome position (GRCh38, 1-based): chr13:42,574,505, T>C. VCF-style: chr13-42574505-T-C. GRCh37 (hg19) VCF-style: chr13-43148641-T-C.
Other names: c.-1+2767T>C (NM_033012.4); short protein forms F68L.
Identifiers: ClinVar variation 1478656 (VCV001478656.6), dbSNP rs1873210415, ClinGen allele CA388215357.

ClinVar aggregate classification (germline): Uncertain significance (1 of 4 stars; one submission).

Allele frequency attached by ClinVar (database versions not stated): gnomAD exomes below 0.00001.
gnomAD v4.1: 1 of 1,608,702 alleles (0.000062%); highest among the groups gnomAD compares: Non-Finnish European, 0.000085%; no homozygotes.

Submission:

Labcorp Genetics (formerly Invitae), Labcorp
Classification: Uncertain significance. Last evaluated: 2022-08-23. Review status: criteria provided, single submitter. Criteria: Invitae Variant Classification Sherloc (09022015). Collection method: clinical testing. Allele origin: germline.
Comment: In summary, the available evidence is currently insufficient to determine the role of this variant in disease. Therefore, it has been classified as a Variant of Uncertain Significance. Algorithms developed to predict the effect of missense changes on protein structure and function output the following: SIFT: "Tolerated"; PolyPhen-2: "Benign"; Align-GVGD: "Class C0". The leucine amino acid residue is found in multiple mammalian species, which suggests that this missense change does not adversely affect protein function. ClinVar contains an entry for this variant (Variation ID: 1478656). This variant has not been reported in the literature in individuals affected with TNFSF11-related conditions. This variant is not present in population databases (gnomAD no frequency). This sequence change replaces phenylalanine, which is neutral and non-polar, with leucine, which is neutral and non-polar, at codon 68 of the TNFSF11 protein (p.Phe68Leu).